The following is an entry in ClinVar:

NM_031935.3(HMCN1):c.14168G>A (p.Arg4723Lys)

Gene: HMCN1 (hemicentin 1; plus strand). Cytogenetic location: 1q31.1.
Variant type: single nucleotide variant.
Coding change: c.14168G>A on transcript NM_031935.3 (MANE Select); coding-DNA position 14168, G replaced by A.
Protein change: p.Arg4723Lys; replaces arginine 4723 with lysine.
Molecular consequence: missense variant.
Genome position (GRCh38, 1-based): chr1:186,144,605, G>A. VCF-style: chr1-186144605-G-A. GRCh37 (hg19) VCF-style: chr1-186113737-G-A.
Other names: short protein forms R4723K.
Identifiers: ClinVar variation 3610429 (VCV003610429.2).

ClinVar aggregate classification (germline): Uncertain significance (1 of 4 stars; one submission).

Submission:

Labcorp Genetics (formerly Invitae), Labcorp
Classification: Uncertain significance. Last evaluated: 2025-10-22. Review status: criteria provided, single submitter. Criteria: Invitae Variant Classification Sherloc (09022015). Collection method: clinical testing. Allele origin: germline.
Comment: This sequence change replaces arginine, which is basic and polar, with lysine, which is basic and polar, at codon 4723 of the HMCN1 protein (p.Arg4723Lys). This variant is present in population databases (no rsID available, gnomAD 0.006%). This variant has not been reported in the literature in individuals affected with HMCN1-related conditions. ClinVar contains an entry for this variant (Variation ID: 3610429). An algorithm developed to predict the effect of missense changes on protein structure and function (PolyPhen-2) suggests that this variant is likely to be disruptive. In summary, the available evidence is currently insufficient to determine the role of this variant in disease. Therefore, it has been classified as a Variant of Uncertain Significance.